The following is an entry in ClinVar:

NM_021620.4(PRDM13):c.1301G>A (p.Cys434Tyr)

Gene: PRDM13 (PR/SET domain 13; plus strand). Cytogenetic location: 6q16.2.
Variant type: single nucleotide variant.
Coding change: c.1301G>A on transcript NM_021620.4 (MANE Select); coding-DNA position 1301, G replaced by A.
Protein change: p.Cys434Tyr; replaces cysteine 434 with tyrosine.
Molecular consequence: missense variant.
Genome position (GRCh38, 1-based): chr6:99,613,936, G>A. VCF-style: chr6-99613936-G-A. GRCh37 (hg19) VCF-style: chr6-100061812-G-A.
Other names: c.1301G>A (NM_021620.3); short protein forms C434Y.
Identifiers: ClinVar variation 1471830 (VCV001471830.7), dbSNP rs1006188302, ClinGen allele CA143975695.
Genomic context (GRCh38, chr6:99,613,936, plus strand): 5'-CGCTGCCAGGAGCGCGTTATGCGCAGCTGCCCCCTGCGCCGGGGTTGCCCCTCGAGCGCT[G>A]CGCGCTGCCGCCCCTCGACCCGGGCGGTCTCAAAGCCTATCCGGGTGGTGAGTGCAGCCA-3'
Protein context (NP_067633.2, residues 424-444): PPAPGLPLER[Cys434Tyr]ALPPLDPGGL

ClinVar aggregate classification (germline): Uncertain significance. Review status: criteria provided, multiple submitters, no conflicts (2 of 4 stars). 2 submissions from 2 submitters: Uncertain significance (2). Last evaluated 2025-03-31.

Conditions:
Inborn genetic diseases. Identifiers: MedGen C0950123, MeSH D030342.

Allele frequency attached by ClinVar (database versions not stated): TOPMed below 0.00001.

Submissions (2):

Labcorp Genetics (formerly Invitae), Labcorp
Classification: Uncertain significance. Last evaluated: 2025-03-31. Review status: criteria provided, single submitter. Criteria: Invitae Variant Classification Sherloc (09022015). Collection method: clinical testing. Allele origin: germline.
Comment: This sequence change replaces cysteine, which is neutral and slightly polar, with tyrosine, which is neutral and polar, at codon 434 of the PRDM13 protein (p.Cys434Tyr). This variant is not present in population databases (gnomAD no frequency). This variant has not been reported in the literature in individuals affected with PRDM13-related conditions. ClinVar contains an entry for this variant (Variation ID: 1471830). An algorithm developed to predict the effect of missense changes on protein structure and function (PolyPhen-2) suggests that this variant is likely to be tolerated. In summary, the available evidence is currently insufficient to determine the role of this variant in disease. Therefore, it has been classified as a Variant of Uncertain Significance.

Ambry Genetics
Classification: Uncertain significance for Inborn genetic diseases. Last evaluated: 2024-10-01. Review status: criteria provided, single submitter. Criteria: Ambry Variant Classification Scheme 2023. Collection method: clinical testing. Allele origin: germline.